The following is an entry in ClinVar:

NM_007294.4(BRCA1):c.5042C>A (p.Thr1681Asn)

Gene: BRCA1 (BRCA1 DNA repair associated; minus strand). Cytogenetic location: 17q21.31.
Variant type: single nucleotide variant.
Coding change: c.5042C>A on transcript NM_007294.4 (MANE Select); coding-DNA position 5042, C replaced by A.
Protein change: p.Thr1681Asn; replaces threonine 1681 with asparagine.
Molecular consequence: missense variant. On other transcripts: non-coding transcript variant (1).
Genome position (GRCh38, 1-based): chr17:43,067,640, G>T on the plus strand (C>A on the coding strand, the complement: BRCA1 is on the minus strand). VCF-style: chr17-43067640-G-T. GRCh37 (hg19) VCF-style: chr17-41219657-G-T.
Other names: c.4829C>A, p.Thr1610Asn (NM_001407571.1, NM_001407894.1, NM_001407895.1 and 12 more transcripts); c.5108C>A, p.Thr1703Asn (NM_001407581.1, NM_001407582.1); c.5105C>A, p.Thr1702Asn (NM_001407583.1, NM_001407585.1, NM_001407587.1 and 1 more transcripts); c.5102C>A, p.Thr1701Asn (NM_001407590.1, NM_001407591.1); c.5042C>A, p.Thr1681Asn (NM_001407593.1, NM_001407594.1, NM_001407596.1 and 8 more transcripts); c.5039C>A, p.Thr1680Asn (NM_001407618.1, NM_001407619.1, NM_001407620.1 and 17 more transcripts); c.5036C>A, p.Thr1679Asn (NM_001407637.1, NM_001407638.1, NM_001407639.1 and 14 more transcripts); c.5033C>A, p.Thr1678Asn (NM_001407644.1, NM_001407645.1); and 70 more; short protein forms T1681N, T1702N, T1634N, T577N, T1384N, T1385N, T1512N, T1568N.
Identifiers: ClinVar variation 868958 (VCV000868958.3), dbSNP rs766784305, ClinGen allele CA10591433.

Conditions:
Breast-ovarian cancer, familial, susceptibility to, 1 (BROVCA1). Also called: BRCA1 Hereditary Breast and Ovarian Cancer; OVARIAN CANCER, SUSCEPTIBILITY TO. Identifiers: Orphanet 145, MedGen C2676676, MONDO:0011450, OMIM 604370. Disease mechanism: loss of function.

Submission:

Brotman Baty Institute, University of Washington
No classification provided (evidence only). Condition: Breast-ovarian cancer, familial 1. Review status: no classification provided. Collection method: in vitro. Allele origin: not applicable. Functional consequence: functionally_normal.
ClinVar note: "not provided" was previously submitted as the classification for the variant. However, the classification appeared to be based only on an observation of functional data so it was converted to no classification on 2025-07-30.